The following is an entry in ClinVar:

ClinVar aggregate classification (germline): Uncertain significance (1 of 4 stars; one submission).

Allele frequency attached by ClinVar (database versions not stated): gnomAD exomes below 0.00001.
gnomAD v4.1: 4 of 1,606,758 alleles (0.00025%); highest among the groups gnomAD compares: Non-Finnish European, 0.00034%; no homozygotes.

Submission:

GeneDx
Classification: Uncertain significance. Last evaluated: 2025-11-07. Review status: criteria provided, single submitter. Criteria: GeneDx Variant Classification Process June 2021. Collection method: clinical testing. Allele origin: germline. Affected: yes.
Comment: Not observed at significant frequency in large population cohorts (gnomAD); In silico analysis supports a deleterious effect on splicing; Has not been previously published as pathogenic or benign to our knowledge

NM_001271.4(CHD2):c.4907-5T>A

Gene: CHD2 (chromodomain helicase DNA binding protein 2; plus strand). Cytogenetic location: 15q26.1.
Variant type: single nucleotide variant.
Coding change: c.4907-5T>A on transcript NM_001271.4 (MANE Select); 5 bases into the intron before coding-DNA position 4907, T replaced by A.
Molecular consequence: intron variant.
Genome position (GRCh38, 1-based): chr15:93,020,007, T>A. VCF-style: chr15-93020007-T-A. GRCh37 (hg19) VCF-style: chr15-93563237-T-A.
Identifiers: ClinVar variation 2579330 (VCV002579330.2), dbSNP rs2505641623, ClinGen allele CA2580617982.
Genomic context (GRCh38, chr15:93,020,007, plus strand): 5'-ATTGTAGTGAAAGTGAAATTCATCCATTTCTTGCAGTCATCAGATCATTCTTTCTTTTCC[T>A]GCAGATCGAGGAGACTGGCAGAGGGAAAGAAAGTTCAACTATGGTGGTGGCAACAACAAT-3'